The following is an entry in ClinVar:

NM_177438.3(DICER1):c.159A>G (p.Glu53=)

Gene: DICER1 (dicer 1, ribonuclease III; minus strand). Cytogenetic location: 14q32.13.
Variant type: single nucleotide variant.
Coding change: c.159A>G on transcript NM_177438.3 (MANE Select); coding-DNA position 159, A replaced by G.
Protein change: p.Glu53=; no amino-acid change (glutamic acid 53 retained).
Molecular consequence: synonymous variant.
Genome position (GRCh38, 1-based): chr14:95,132,663, T>C on the plus strand (A>G on the coding strand, the complement: DICER1 is on the minus strand). VCF-style: chr14-95132663-T-C. GRCh37 (hg19) VCF-style: chr14-95599000-T-C.
Other names: c.159A>G, p.Glu53= (NM_001195573.1, NM_001271282.3, NM_001291628.2 and 1 more transcripts).
Identifiers: ClinVar variation 1154907 (VCV001154907.12), dbSNP rs2140289208, ClinGen allele CA487634147.
Genomic context (GRCh38, chr14:95,132,663, plus strand): 5'-AATAAATGTCTTCCCTGAGCCAGTGTTTAAACAGACGATGGTATTATGATCCAGAGCTGC[T>C]TCAAGCAGTTCAACCTAGAAACATGGTGAAAAAAAAGTTATGCACTTCTTACCTAAGTAC-3'
Protein context (NP_803187.1, residues 43-63): TPRKYQVELL[Glu53=]AALDHNTIVC

ClinVar aggregate classification (germline): Conflicting classifications of pathogenicity. Review status: criteria provided, conflicting classifications (1 of 4 stars). 3 submissions from 3 submitters: Uncertain significance (1); Likely benign (2). Last evaluated 2026-02-03.

Conditions:
DICER1-related tumor predisposition. Also called: DICER1 syndrome; DICER1-related pleuropulmonary blastoma cancer predisposition syndrome. Identifiers: Orphanet 284343, MedGen C3839822, MONDO:0100216.
Hereditary cancer-predisposing syndrome. Also called: Hereditary Cancer Syndrome; Hereditary neoplastic syndrome; Neoplastic Syndromes, Hereditary; Tumor predisposition. Identifiers: Orphanet 140162, MedGen C0027672, MeSH D009386, MONDO:0015356.

Allele frequency attached by ClinVar (database versions not stated): gnomAD exomes 0.00001.
gnomAD v4.1: 12 of 1,613,988 alleles (0.00074%); highest among the groups gnomAD compares: Non-Finnish European, 0.00093%; no homozygotes.

Submissions (3):

Labcorp Genetics (formerly Invitae), Labcorp
Classification: Likely benign for DICER1-related tumor predisposition. Last evaluated: 2026-02-03. Review status: criteria provided, single submitter. Criteria: Invitae Variant Classification Sherloc (09022015). Collection method: clinical testing. Allele origin: germline.

Sema4
Classification: Uncertain significance for Hereditary cancer-predisposing syndrome. Last evaluated: 2021-07-02. Review status: criteria provided, single submitter. Criteria: Sema4 Curation Guidelines. Collection method: curation. Allele origin: germline.
Comment: The DICER1 c.159A>G (p.E53=) variant has not been reported in the literature to our knowledge. It was not observed in the large and broad cohorts of the Genome Aggregation Database (PMID: 32461654). The variant has been reported in ClinVar (Variation ID 1154907). In silico tools suggest the variant to possibly have an impact on splicing, though these predictions have not been confirmed by functional studies. The evidence is insufficient to meet ACMG/AMP criteria for classifying the variant as benign or pathogenic. Thus, the clinical significance of this variant is currently uncertain.

Ambry Genetics
Classification: Likely benign for Hereditary cancer-predisposing syndrome. Last evaluated: 2017-09-27. Review status: criteria provided, single submitter. Criteria: Ambry Variant Classification Scheme 2023. Collection method: clinical testing. Allele origin: germline.